The following is an entry in ClinVar:

ClinVar aggregate classification (germline): Likely benign. Review status: criteria provided, multiple submitters, no conflicts (2 of 4 stars). 2 submissions from 2 submitters: Likely benign (2). Last evaluated 2026-01-15.

Conditions:
Cowden syndrome 7 (CWS7). Identifiers: Orphanet 201, MedGen C4225179, MONDO:0014802, OMIM 616858.
Congenital dyserythropoietic anemia, type II (CDAN2). Also called: DYSERYTHROPOIETIC ANEMIA, HEMPAS TYPE. Identifiers: Orphanet 98873, MedGen C1306589, MONDO:0009134, OMIM 224100.

Allele frequency attached by ClinVar (database versions not stated): TOPMed 0.00033; ESP Exome Variant Server 0.00046.

Submissions (2):

Labcorp Genetics (formerly Invitae), Labcorp
Classification: Likely benign for Congenital dyserythropoietic anemia, type II; Cowden syndrome 7. Last evaluated: 2026-01-15. Review status: criteria provided, single submitter. Criteria: Invitae Variant Classification Sherloc (09022015). Collection method: clinical testing. Allele origin: germline.

CeGaT Center for Human Genetics Tuebingen
Classification: Likely benign. Last evaluated: 2024-12-01. Review status: criteria provided, single submitter. Criteria: CeGaT Center For Human Genetics Tuebingen Variant Classification Criteria Version 2. Collection method: clinical testing. Allele origin: germline. Affected: yes. Observed: 1 variant allele.
Comment: SEC23B: BP4, BP7

NM_006363.6(SEC23B):c.1638G>A (p.Arg546=)

Gene: SEC23B (SEC23 homolog B, COPII component; plus strand). Cytogenetic location: 20p11.23.
Variant type: single nucleotide variant.
Coding change: c.1638G>A on transcript NM_006363.6 (MANE Select); coding-DNA position 1638, G replaced by A.
Protein change: p.Arg546=; no amino-acid change (arginine 546 retained).
Molecular consequence: synonymous variant.
Genome position (GRCh38, 1-based): chr20:18,543,145, G>A. VCF-style: chr20-18543145-G-A. GRCh37 (hg19) VCF-style: chr20-18523789-G-A.
Other names: c.1638G>A, p.Arg546= (NM_001172745.3, NM_032985.6, NM_032986.5); c.1584G>A, p.Arg528= (NM_001172746.3).
Identifiers: ClinVar variation 779567 (VCV000779567.24), dbSNP rs138623580, ClinGen allele CA9778432.
Genomic context (GRCh38, chr20:18,543,145, plus strand): 5'-GTTGATGGCACGGCTTGGGGTGTTCCGAGCGGAGTCAGAGGAGGGGCCCGATGTGCTCCG[G>A]TGGCTGGACCGACAACTCATCCGACTGGTAAATTGGGGACAGTGGCATTAGGTTCAGTCT-3'
Protein context (NP_006354.2, residues 536-556): AESEEGPDVL[Arg546=]WLDRQLIRLC